The following is an entry in ClinVar:

NM_024312.5(GNPTAB):c.2879T>A (p.Met960Lys)

Gene: GNPTAB (N-acetylglucosamine-1-phosphate transferase subunits alpha and beta; minus strand). Cytogenetic location: 12q23.2.
Variant type: single nucleotide variant.
Coding change: c.2879T>A on transcript NM_024312.5 (MANE Select); coding-DNA position 2879, T replaced by A.
Protein change: p.Met960Lys; replaces methionine 960 with lysine.
Molecular consequence: missense variant.
Genome position (GRCh38, 1-based): chr12:101,761,600, A>T on the plus strand (T>A on the coding strand, the complement: GNPTAB is on the minus strand). VCF-style: chr12-101761600-A-T. GRCh37 (hg19) VCF-style: chr12-102155378-A-T.
Other names: short protein forms M960K.
Identifiers: ClinVar variation 3907339 (VCV003907339.2).

ClinVar aggregate classification (germline): Uncertain significance. Review status: criteria provided, multiple submitters, no conflicts (2 of 4 stars). 2 submissions from 2 submitters: Uncertain significance (2). Last evaluated 2025-09-19.

Conditions:
GNPTAB-mucolipidosis. Also called: UDP-N-acetylglucosamine-1-phosphotransferase subunit alpha/beta deficiency. Identifiers: MedGen CN322573, MONDO:0100122.

Submissions (2):

Myriad Genetics, Inc.
Classification: Uncertain significance for GNPTAB-mucolipidosis. Last evaluated: 2025-09-19. Review status: criteria provided, single submitter. Criteria: Myriad Autosomal Dominant, Autosomal Recessive and X-Linked Classification Criteria (2023). Collection method: clinical testing. Allele origin: unknown.
Comment: NM_024312.4(GNPTAB):c.2879T>A(M960K) is a missense variant classified as a variant of uncertain significance in the context of GNPTAB-related disorders. M960K has been observed in a case with relevant disease (PMID: 39237446). Relevant functional assessments of this variant are not available in the literature. M960K has not been observed in referenced population frequency databases. In summary, there is insufficient evidence to classify NM_024312.4(GNPTAB):c.2879T>A(M960K) as pathogenic or benign. Please note: this variant was assessed in the context of healthy population screening.

Women's Health and Genetics/Laboratory Corporation of America, LabCorp
Classification: Uncertain significance. Last evaluated: 2025-06-06. Review status: criteria provided, single submitter. Criteria: LabCorp Variant Classification Summary - May 2015. Collection method: clinical testing. Allele origin: germline.
Comment: Variant summary: GNPTAB c.2879T>A (p.Met960Lys) results in a non-conservative amino acid change in the encoded protein sequence. Algorithms developed to predict the effect of missense changes on protein structure and function all suggest that this variant is likely to be disruptive. The variant was absent in 251432 control chromosomes. c.2879T>A has been observed in at least one homozygous individual affected with Mucolipidosis (e.g. Brabbing-Goldstein_2024). These data indicate that the variant may be associated with disease. To our knowledge, no experimental evidence demonstrating an impact on protein function has been reported. The following publication has been ascertained in the context of this evaluation (PMID: 39237446). No submitters have cited clinical-significance assessments for this variant to ClinVar. Based on the evidence outlined above, the variant was classified as VUS-possibly pathogenic.

Literature cited by the submitters: PubMed 39237446 (cited by Myriad Genetics, Inc. and Women's Health and Genetics/Laboratory Corporation of America, LabCorp).